The following is an entry in ClinVar:

ClinVar aggregate classification (germline): Uncertain significance (1 of 4 stars; one submission).

Conditions:
Tuberous sclerosis 2 (TSC2). Identifiers: Orphanet 805, MedGen C1860707, MONDO:0013199, OMIM 613254.

Submission:

Labcorp Genetics (formerly Invitae), Labcorp
Classification: Uncertain significance for Tuberous sclerosis 2. Last evaluated: 2022-02-05. Review status: criteria provided, single submitter. Criteria: Invitae Variant Classification Sherloc (09022015). Collection method: clinical testing. Allele origin: germline.
Comment: Advanced modeling of protein sequence and biophysical properties (such as structural, functional, and spatial information, amino acid conservation, physicochemical variation, residue mobility, and thermodynamic stability) performed at Invitae indicates that this missense variant is not expected to disrupt TSC2 protein function. In summary, the available evidence is currently insufficient to determine the role of this variant in disease. Therefore, it has been classified as a Variant of Uncertain Significance. ClinVar contains an entry for this variant (Variation ID: 835338). This variant has not been reported in the literature in individuals affected with TSC2-related conditions. This variant is not present in population databases (gnomAD no frequency). This sequence change replaces isoleucine, which is neutral and non-polar, with methionine, which is neutral and non-polar, at codon 383 of the TSC2 protein (p.Ile383Met).

NM_000548.5(TSC2):c.1149C>G (p.Ile383Met)

Gene: TSC2 (TSC complex subunit 2; plus strand). Cytogenetic location: 16p13.3.
Variant type: single nucleotide variant.
Coding change: c.1149C>G on transcript NM_000548.5 (MANE Select); coding-DNA position 1149, C replaced by G.
Protein change: p.Ile383Met; replaces isoleucine 383 with methionine.
Molecular consequence: missense variant.
Genome position (GRCh38, 1-based): chr16:2,061,900, C>G. VCF-style: chr16-2061900-C-G. GRCh37 (hg19) VCF-style: chr16-2111901-C-G.
Other names: c.1149C>G, p.Ile383Met (NM_001077183.3, NM_001114382.3, NM_001363528.2 and 3 more transcripts); c.1038C>G, p.Ile346Met (NM_001318827.2); c.1002C>G, p.Ile334Met (NM_001318829.2); c.549C>G, p.Ile183Met (NM_001318831.2); c.1182C>G, p.Ile394Met (NM_001318832.2); short protein forms I183M, I334M, I346M, I394M, I383M.
Identifiers: ClinVar variation 835338 (VCV000835338.9), dbSNP rs764246333, ClinGen allele CA394320046.